The following is an entry in ClinVar:

ClinVar aggregate classification (germline): Pathogenic/Likely pathogenic. Review status: criteria provided, multiple submitters, no conflicts (2 of 4 stars). 5 submissions from 5 submitters: Pathogenic (4); Likely pathogenic (1). Last evaluated 2024-03-27.

Conditions:
Familial thoracic aortic aneurysm and aortic dissection (TAAD). Also called: Thoracic aortic aneurysms and dissections. Identifiers: Orphanet 91387, MedGen C4707243, MONDO:0019625.
Hereditary cancer-predisposing syndrome. Also called: Neoplastic Syndromes, Hereditary; Hereditary neoplastic syndrome; Hereditary Cancer Syndrome; Tumor predisposition. Identifiers: Orphanet 140162, MedGen C0027672, MeSH D009386, MONDO:0015356.
Juvenile polyposis syndrome (JPS). Identifiers: Orphanet 2929, MedGen C0345893, MONDO:0017380, OMIM 174900.
Juvenile polyposis/hereditary hemorrhagic telangiectasia syndrome (JPHT). Also called: JP/HHT SYNDROME; JUVENILE POLYPOSIS WITH HEREDITARY HEMORRHAGIC TELANGIECTASIA; POLYPOSIS, GENERALIZED JUVENILE, WITH PULMONARY ARTERIOVENOUS MALFORMATION; TELANGIECTASIA, HEREDITARY HEMORRHAGIC, WITH JUVENILE POLYPOSIS COLI; Juvenile Polyposis Syndrome / Hereditary Hemorrhagic Telangiectasia (JPS/HHT). Identifiers: Orphanet 2929, MedGen C1832942, MONDO:0008278, OMIM 175050.

Submissions (5):

Labcorp Genetics (formerly Invitae), Labcorp
Classification: Pathogenic for Juvenile polyposis syndrome. Last evaluated: 2024-03-27. Review status: criteria provided, single submitter. Criteria: Invitae Variant Classification Sherloc (09022015). Collection method: clinical testing. Allele origin: germline.
Comment: This sequence change creates a premature translational stop signal (p.Gln169*) in the SMAD4 gene. It is expected to result in an absent or disrupted protein product. Loss-of-function variants in SMAD4 are known to be pathogenic (PMID: 16152648, 16436638, 22810475). This variant is not present in population databases (gnomAD no frequency). This variant has not been reported in the literature in individuals affected with SMAD4-related conditions. ClinVar contains an entry for this variant (Variation ID: 825411). For these reasons, this variant has been classified as Pathogenic.

Myriad Genetics, Inc.
Classification: Pathogenic for Juvenile polyposis/hereditary hemorrhagic telangiectasia syndrome. Last evaluated: 2024-02-09. Review status: criteria provided, single submitter. Criteria: Myriad Autosomal Dominant, Autosomal Recessive and X-Linked Classification Criteria (2023). Collection method: clinical testing. Allele origin: unknown.
Comment: This variant is considered pathogenic. This variant creates a termination codon and is predicted to result in premature protein truncation.

Color Diagnostics, LLC DBA Color Health
Classification: Pathogenic for Hereditary cancer-predisposing syndrome. Last evaluated: 2022-06-17. Review status: criteria provided, single submitter. Criteria: ACMG Guidelines, 2015. Collection method: clinical testing. Allele origin: germline.
Comment: This variant changes 1 nucleotide in exon 5 of the SMAD4 gene, creating a premature translation stop signal. This variant is expected to result in an absent or non-functional protein product. To our knowledge, this variant has not been reported in individuals affected with Juvenile polyposis syndrome in the literature. This variant has not been identified in the general population by the Genome Aggregation Database (gnomAD). Loss of SMAD4 function is a known mechanism of disease. Based on the available evidence, this variant is classified as Pathogenic.

GeneDx
Classification: Likely pathogenic. Last evaluated: 2022-03-21. Review status: criteria provided, single submitter. Criteria: GeneDx Variant Classification Process June 2021. Collection method: clinical testing. Allele origin: germline. Affected: yes.
Comment: Nonsense variant predicted to result in protein truncation or nonsense mediated decay in a gene for which loss of function is a known mechanism of disease; Not observed at significant frequency in large population cohorts (gnomAD); Has not been previously published as pathogenic or benign in association with SMAD4-related disease to our knowledge; This variant is associated with the following publications: (PMID: 26645239, 28524162)

Ambry Genetics
Classification: Pathogenic for Hereditary cancer-predisposing syndrome; Familial thoracic aortic aneurysm and aortic dissection. Last evaluated: 2019-07-17. Review status: criteria provided, single submitter. Criteria: Ambry Variant Classification Scheme 2023. Collection method: clinical testing. Allele origin: germline.
Comment: The p.Q169* pathogenic mutation (also known as c.505C>T), located in coding exon 4 of the SMAD4 gene, results from a C to T substitution at nucleotide position 505. This changes the amino acid from a glutamine to a stop codon within coding exon 4. This alteration is expected to result in loss of function by premature protein truncation or nonsense-mediated mRNA decay. As such, this alteration is interpreted as a disease-causing mutation.

Literature cited by the submitters: PubMed 16152648 (cited by Labcorp Genetics (formerly Invitae), Labcorp); PubMed 16436638 (cited by Labcorp Genetics (formerly Invitae), Labcorp); PubMed 22810475 (cited by Labcorp Genetics (formerly Invitae), Labcorp).

NM_005359.6(SMAD4):c.505C>T (p.Gln169Ter)

Gene: SMAD4 (SMAD family member 4; plus strand). Cytogenetic location: 18q21.2.
Variant type: single nucleotide variant.
Coding change: c.505C>T on transcript NM_005359.6 (MANE Select); coding-DNA position 505, C replaced by T.
Protein change: p.Gln169Ter; replaces glutamine 169 with a stop codon.
Molecular consequence: nonsense.
Genome position (GRCh38, 1-based): chr18:51,054,831, C>T. VCF-style: chr18-51054831-C-T. GRCh37 (hg19) VCF-style: chr18-48581201-C-T.
Other names: short protein forms Q169*.
Identifiers: ClinVar variation 825411 (VCV000825411.15), dbSNP rs1449334786, ClinGen allele CA402460734.